The following is an entry in ClinVar:

NM_007194.4(CHEK2):c.1312G>C (p.Asp438His)

Gene: CHEK2 (checkpoint kinase 2; minus strand). Cytogenetic location: 22q12.1.
Variant type: single nucleotide variant.
Coding change: c.1312G>C on transcript NM_007194.4 (MANE Select); coding-DNA position 1312, G replaced by C.
Protein change: p.Asp438His; replaces aspartic acid 438 with histidine.
Molecular consequence: missense variant.
Genome position (GRCh38, 1-based): chr22:28,695,190, C>G on the plus strand (G>C on the coding strand, the complement: CHEK2 is on the minus strand). VCF-style: chr22-28695190-C-G. GRCh37 (hg19) VCF-style: chr22-29091178-C-G.
Other names: c.1441G>C, p.Asp481His (NM_001005735.3); c.649G>C, p.Asp217His (NM_001257387.3); c.1111G>C, p.Asp371His (NM_001349956.3); c.1225G>C, p.Asp409His (NM_145862.3); short protein forms D438H, D217H, D371H, D409H, D481H.
Identifiers: ClinVar variation 489878 (VCV000489878.14), dbSNP rs200050883, ClinGen allele CA411096015.

ClinVar aggregate classification (germline): Uncertain significance. Review status: criteria provided, multiple submitters, no conflicts (2 of 4 stars). 3 submissions from 3 submitters: Uncertain significance (3). Last evaluated 2024-11-21.

Conditions:
Hereditary cancer-predisposing syndrome. Also called: Hereditary Cancer Syndrome; Neoplastic Syndromes, Hereditary; Tumor predisposition; Hereditary neoplastic syndrome. Identifiers: Orphanet 140162, MedGen C0027672, MeSH D009386, MONDO:0015356.
Familial cancer of breast. Also called: Hereditary breast cancer; BREAST CANCER, FAMILIAL; hereditary breast carcinoma. Identifiers: Orphanet 227535, MedGen C0346153, MONDO:0016419, OMIM 114480. Disease mechanism: loss of function.

Submissions (3):

Ambry Genetics
Classification: Uncertain significance for Hereditary cancer-predisposing syndrome. Last evaluated: 2024-11-21. Review status: criteria provided, single submitter. Criteria: Ambry Variant Classification Scheme 2023. Collection method: clinical testing. Allele origin: germline.
Comment: The p.D438H variant (also known as c.1312G>C), located in coding exon 11 of the CHEK2 gene, results from a G to C substitution at nucleotide position 1312. The aspartic acid at codon 438 is replaced by histidine, an amino acid with similar properties. This amino acid position is well conserved in available vertebrate species. In addition, the in silico prediction for this alteration is inconclusive. Based on the available evidence, the clinical significance of this variant remains unclear.

Labcorp Genetics (formerly Invitae), Labcorp
Classification: Uncertain significance for Familial cancer of breast. Last evaluated: 2022-04-18. Review status: criteria provided, single submitter. Criteria: Invitae Variant Classification Sherloc (09022015). Collection method: clinical testing. Allele origin: germline.
Comment: This sequence change replaces aspartic acid, which is acidic and polar, with histidine, which is basic and polar, at codon 438 of the CHEK2 protein (p.Asp438His). This variant has not been reported in the literature in individuals affected with CHEK2-related conditions. This variant is not present in population databases (gnomAD no frequency). In summary, the available evidence is currently insufficient to determine the role of this variant in disease. Therefore, it has been classified as a Variant of Uncertain Significance. Algorithms developed to predict the effect of missense changes on protein structure and function are either unavailable or do not agree on the potential impact of this missense change (SIFT: "Deleterious"; PolyPhen-2: "Probably Damaging"; Align-GVGD: "Class C0"). ClinVar contains an entry for this variant (Variation ID: 489878).

Color Diagnostics, LLC DBA Color Health
Classification: Uncertain significance for Hereditary cancer-predisposing syndrome. Last evaluated: 2018-11-22. Review status: criteria provided, single submitter. Criteria: ACMG Guidelines, 2015. Collection method: clinical testing. Allele origin: germline.